The following is an entry in ClinVar:

NM_015450.3(POT1):c.1112C>T (p.Pro371Leu)

Gene: POT1 (protection of telomeres 1; minus strand). Cytogenetic location: 7q31.33.
Variant type: single nucleotide variant.
Coding change: c.1112C>T on transcript NM_015450.3 (MANE Select); coding-DNA position 1112, C replaced by T.
Protein change: p.Pro371Leu; replaces proline 371 with leucine.
Molecular consequence: missense variant. On other transcripts: non-coding transcript variant (3).
Genome position (GRCh38, 1-based): chr7:124,842,858, G>A on the plus strand (C>T on the coding strand, the complement: POT1 is on the minus strand). VCF-style: chr7-124842858-G-A. GRCh37 (hg19) VCF-style: chr7-124482912-G-A.
Other names: c.719C>T, p.Pro240Leu (NM_001042594.2); short protein forms P371L, P240L.
Identifiers: ClinVar variation 1795482 (VCV001795482.3), dbSNP rs2485401926, ClinGen allele CA369068277.
Genomic context (GRCh38, chr7:124,842,858, plus strand): 5'-AATACTCACAGCAAATGACATTTAGGGCAATGAAGTTTAACAGACTGAAATAGTCTTCTG[G>A]GCTTATATGACCTCAATTTTGCTCGGATGCGGTATTGTTGAGGAGCTTTTTGTTTCAAAA-3'
Protein context (NP_056265.2, residues 361-381): RIRAKLRSYK[Pro371Leu]RRLFQSVKLH

ClinVar aggregate classification (germline): Uncertain significance. Review status: criteria provided, multiple submitters, no conflicts (2 of 4 stars). 2 submissions from 2 submitters: Uncertain significance (2). Last evaluated 2025-03-23.

Conditions:
Hereditary cancer-predisposing syndrome. Also called: Tumor predisposition; Neoplastic Syndromes, Hereditary; Hereditary Cancer Syndrome; Hereditary neoplastic syndrome. Identifiers: Orphanet 140162, MedGen C0027672, MeSH D009386, MONDO:0015356.
Tumor predisposition syndrome 3 (TPDS3). Also called: Glioma susceptibility 9; LONG TELOMERE SYNDROME, POT1-RELATED; POT1 Tumor Predisposition; Melanoma, cutaneous malignant, susceptibility to, 10. Identifiers: Orphanet 618, MedGen C4014476, MONDO:0014368, OMIM 615848.

Allele frequency attached by ClinVar (database versions not stated): gnomAD exomes below 0.00001.
gnomAD v4.1: 3 of 1,609,158 alleles (0.00019%); highest among the groups gnomAD compares: Non-Finnish European, 0.00025%; no homozygotes.

Submissions (2):

Labcorp Genetics (formerly Invitae), Labcorp
Classification: Uncertain significance for Tumor predisposition syndrome 3. Last evaluated: 2025-03-23. Review status: criteria provided, single submitter. Criteria: Invitae Variant Classification Sherloc (09022015). Collection method: clinical testing. Allele origin: germline.
Comment: This sequence change replaces proline, which is neutral and non-polar, with leucine, which is neutral and non-polar, at codon 371 of the POT1 protein (p.Pro371Leu). This variant is not present in population databases (gnomAD no frequency). This missense change has been observed in individual(s) with cutaneous melanoma (PMID: 36539277). ClinVar contains an entry for this variant (Variation ID: 1795482). Invitae Evidence Modeling of protein sequence and biophysical properties (such as structural, functional, and spatial information, amino acid conservation, physicochemical variation, residue mobility, and thermodynamic stability) indicates that this missense variant is not expected to disrupt POT1 protein function with a negative predictive value of 80%. In summary, the available evidence is currently insufficient to determine the role of this variant in disease. Therefore, it has been classified as a Variant of Uncertain Significance.

Ambry Genetics
Classification: Uncertain significance for Hereditary cancer-predisposing syndrome. Last evaluated: 2022-06-10. Review status: criteria provided, single submitter. Criteria: Ambry Variant Classification Scheme 2023. Collection method: clinical testing. Allele origin: germline.
Comment: The p.P371L variant (also known as c.1112C>T), located in coding exon 9 of the POT1 gene, results from a C to T substitution at nucleotide position 1112. The proline at codon 371 is replaced by leucine, an amino acid with similar properties. This amino acid position is conserved. In addition, this alteration is predicted to be deleterious by in silico analysis. Since supporting evidence is limited at this time, the clinical significance of this alteration remains unclear.

Literature cited by the submitters: PubMed 36539277 (cited by Labcorp Genetics (formerly Invitae), Labcorp).